The following is an entry in ClinVar:

NM_006341.4(MAD2L2):c.619G>T (p.Ala207Ser)

Gene: MAD2L2 (mitotic arrest deficient 2 like 2; minus strand). Cytogenetic location: 1p36.22.
Variant type: single nucleotide variant.
Coding change: c.619G>T on transcript NM_006341.4 (MANE Select); coding-DNA position 619, G replaced by T.
Protein change: p.Ala207Ser; replaces alanine 207 with serine.
Molecular consequence: missense variant.
Genome position (GRCh38, 1-based): chr1:11,674,792, C>A on the plus strand (G>T on the coding strand, the complement: MAD2L2 is on the minus strand). VCF-style: chr1-11674792-C-A. GRCh37 (hg19) VCF-style: chr1-11734849-C-A.
Other names: c.619G>T, p.Ala207Ser (NM_001127325.2); short protein forms A207S.
Identifiers: ClinVar variation 4050421 (VCV004050421.2).

ClinVar aggregate classification (germline): Uncertain significance. Review status: criteria provided, multiple submitters, no conflicts (2 of 4 stars). 2 submissions from 2 submitters: Uncertain significance (2). Last evaluated 2025-05-07.

Submissions (2):

Ambry Genetics
Classification: Uncertain significance. Last evaluated: 2025-05-07. Review status: criteria provided, single submitter. Criteria: Ambry Variant Classification Scheme 2023. Collection method: clinical testing. Allele origin: germline.

Labcorp Genetics (formerly Invitae), Labcorp
Classification: Uncertain significance. Last evaluated: 2025-02-12. Review status: criteria provided, single submitter. Criteria: Invitae Variant Classification Sherloc (09022015). Collection method: clinical testing. Allele origin: germline.
Comment: This sequence change replaces alanine, which is neutral and non-polar, with serine, which is neutral and polar, at codon 207 of the MAD2L2 protein (p.Ala207Ser). This variant is not present in population databases (gnomAD no frequency). This variant has not been reported in the literature in individuals affected with MAD2L2-related conditions. An algorithm developed to predict the effect of missense changes on protein structure and function (PolyPhen-2) suggests that this variant is likely to be tolerated. In summary, the available evidence is currently insufficient to determine the role of this variant in disease. Therefore, it has been classified as a Variant of Uncertain Significance.